The following is an entry in ClinVar:

NM_000051.4(ATM):c.4129A>T (p.Asn1377Tyr)

Gene: ATM (ATM serine/threonine kinase; plus strand). Cytogenetic location: 11q22.3.
Variant type: single nucleotide variant.
Coding change: c.4129A>T on transcript NM_000051.4 (MANE Select); coding-DNA position 4129, A replaced by T.
Protein change: p.Asn1377Tyr; replaces asparagine 1377 with tyrosine.
Molecular consequence: missense variant.
Genome position (GRCh38, 1-based): chr11:108,288,996, A>T. VCF-style: chr11-108288996-A-T. GRCh37 (hg19) VCF-style: chr11-108159723-A-T.
Other names: c.4129A>T, p.Asn1377Tyr (NM_001351834.2); short protein forms N1377Y.
Identifiers: ClinVar variation 838623 (VCV000838623.9), dbSNP rs2082639157, ClinGen allele CA382529844.

ClinVar aggregate classification (germline): Uncertain significance (1 of 4 stars; one submission).

Conditions:
Ataxia-telangiectasia syndrome (AT). Also called: Ataxia-telangiectasia, complementation group E; Ataxia telangiectasia (A-T); LOUIS-BAR SYNDROME; Ataxia-telangiectasia, complementation group D; AT, COMPLEMENTATION GROUP C; Ataxia-telangiectasia. Identifiers: Orphanet 100, MedGen C0004135, MONDO:0008840, OMIM 208900.

Submission:

Labcorp Genetics (formerly Invitae), Labcorp
Classification: Uncertain significance for Ataxia-telangiectasia syndrome. Last evaluated: 2019-02-13. Review status: criteria provided, single submitter. Criteria: Invitae Variant Classification Sherloc (09022015). Collection method: clinical testing. Allele origin: germline.
Comment: In summary, the available evidence is currently insufficient to determine the role of this variant in disease. Therefore, it has been classified as a Variant of Uncertain Significance. Algorithms developed to predict the effect of missense changes on protein structure and function (SIFT, PolyPhen-2, Align-GVGD) all suggest that this variant is likely to be disruptive, but these predictions have not been confirmed by published functional studies and their clinical significance is uncertain. This variant has not been reported in the literature in individuals with ATM-related conditions. This variant is not present in population databases (ExAC no frequency). This sequence change replaces asparagine with tyrosine at codon 1377 of the ATM protein (p.Asn1377Tyr). The asparagine residue is highly conserved and there is a large physicochemical difference between asparagine and tyrosine.